The following is an entry in ClinVar:

ClinVar aggregate classification (germline): Uncertain significance (1 of 4 stars; one submission).

Conditions:
Inborn genetic diseases. Identifiers: MedGen C0950123, MeSH D030342.

Allele frequency attached by ClinVar (database versions not stated): gnomAD exomes below 0.00001.
gnomAD v4.1: 2 of 1,614,022 alleles (0.00012%); highest among the groups gnomAD compares: Non-Finnish European, 0.00017%; no homozygotes.

Submission:

Ambry Genetics
Classification: Uncertain significance for Inborn genetic diseases. Last evaluated: 2024-02-04. Review status: criteria provided, single submitter. Criteria: Ambry Variant Classification Scheme 2023. Collection method: clinical testing. Allele origin: germline.
Comment: The p.F196S variant (also known as c.587T>C), located in coding exon 6 of the BUB1B gene, results from a T to C substitution at nucleotide position 587. The phenylalanine at codon 196 is replaced by serine, an amino acid with highly dissimilar properties. This amino acid position is conserved. In addition, this alteration is predicted to be deleterious by in silico analysis. Since supporting evidence is limited at this time, the clinical significance of this alteration remains unclear.

NM_001211.6(BUB1B):c.587T>C (p.Phe196Ser)

Gene: BUB1B (BUB1 mitotic checkpoint serine/threonine kinase B; plus strand). Cytogenetic location: 15q15.1.
Variant type: single nucleotide variant.
Coding change: c.587T>C on transcript NM_001211.6 (MANE Select); coding-DNA position 587, T replaced by C.
Protein change: p.Phe196Ser; replaces phenylalanine 196 with serine.
Molecular consequence: missense variant.
Genome position (GRCh38, 1-based): chr15:40,183,719, T>C. VCF-style: chr15-40183719-T-C. GRCh37 (hg19) VCF-style: chr15-40475920-T-C.
Other names: short protein forms F196S.
Identifiers: ClinVar variation 1750258 (VCV001750258.2), dbSNP rs1037175607, ClinGen allele CA391683016.